The following is an entry in ClinVar:

NM_001382567.1(STIM1):c.932G>A (p.Arg311Gln)

Gene: STIM1 (stromal interaction molecule 1; plus strand). Cytogenetic location: 11p15.4.
Variant type: single nucleotide variant.
Coding change: c.932G>A on transcript NM_001382567.1 (MANE Select); coding-DNA position 932, G replaced by A.
Protein change: p.Arg311Gln; replaces arginine 311 with glutamine.
Molecular consequence: missense variant.
Genome position (GRCh38, 1-based): chr11:4,074,642, G>A. VCF-style: chr11-4074642-G-A. GRCh37 (hg19) VCF-style: chr11-4095872-G-A.
Other names: c.932G>A, p.Arg311Gln (NM_001277961.3, NM_003156.4, NM_001277962.2 and 2 more transcripts); c.710G>A, p.Arg237Gln (NM_001382575.1, NM_001382576.1, NM_001382577.1 and 5 more transcripts); c.443G>A, p.Arg148Gln (NM_001382580.1, NM_001382581.1); c.797G>A, p.Arg266Gln (NM_001382569.1); c.704G>A, p.Arg235Gln (NM_001382570.1); c.452G>A, p.Arg151Gln (NM_001382571.1); short protein forms R148Q, R235Q, R237Q, R266Q, R311Q, R151Q.
Identifiers: ClinVar variation 2238467 (VCV002238467.6), dbSNP rs866666473, ClinGen allele CA216526542.

ClinVar aggregate classification (germline): Uncertain significance. Review status: criteria provided, multiple submitters, no conflicts (2 of 4 stars). 3 submissions from 3 submitters: Uncertain significance (3). Last evaluated 2024-09-24.

Conditions:
Inborn genetic diseases. Identifiers: MedGen C0950123, MeSH D030342.
Stormorken syndrome (STRMK). Also called: THROMBOCYTOPATHY, ASPLENIA, AND MIOSIS. Identifiers: Orphanet 3204, MedGen C1861451, MONDO:0008497, OMIM 185070.
Combined immunodeficiency due to STIM1 deficiency. Also called: IMMUNODEFICIENCY 10; STIM1 DEFICIENCY. Identifiers: Orphanet 169090, Orphanet 317430, MedGen C2748557, MONDO:0013008, OMIM 612783.
Myopathy with tubular aggregates (TAM). Also called: Tubular Aggregate Myopathy. Identifiers: Orphanet 2593, MedGen C0410207, MONDO:0008051.

Allele frequency attached by ClinVar (database versions not stated): gnomAD 0.00001; gnomAD exomes 0.00001; TOPMed 0.00002.
gnomAD v4.1: 11 of 1,584,184 alleles (0.00069%); highest among the groups gnomAD compares: Middle Eastern, 0.017%; no homozygotes.

Submissions (3):

Women's Health and Genetics/Laboratory Corporation of America, LabCorp
Classification: Uncertain significance. Last evaluated: 2024-09-24. Review status: criteria provided, single submitter. Criteria: LabCorp Variant Classification Summary - May 2015. Collection method: clinical testing. Allele origin: germline.
Comment: Variant summary: STIM1 c.932G>A (p.Arg311Gln) results in a conservative amino acid change in the encoded protein sequence. Five of five in-silico tools predict a benign effect of the variant on protein function. The variant allele was found at a frequency of 2.1e-05 in 194620 control chromosomes. The available data on variant occurrences in the general population are insufficient to allow any conclusion about variant significance. To our knowledge, no occurrence of c.932G>A in individuals affected with STIM1-Related Disorders and no experimental evidence demonstrating its impact on protein function have been reported. ClinVar contains an entry for this variant (Variation ID: 2238467). Based on the evidence outlined above, the variant was classified as uncertain significance.

Labcorp Genetics (formerly Invitae), Labcorp
Classification: Uncertain significance for Myopathy with tubular aggregates; Combined immunodeficiency due to STIM1 deficiency; Stormorken syndrome. Last evaluated: 2023-08-03. Review status: criteria provided, single submitter. Criteria: Invitae Variant Classification Sherloc (09022015). Collection method: clinical testing. Allele origin: germline.
Comment: In summary, the available evidence is currently insufficient to determine the role of this variant in disease. Therefore, it has been classified as a Variant of Uncertain Significance. Advanced modeling of protein sequence and biophysical properties (such as structural, functional, and spatial information, amino acid conservation, physicochemical variation, residue mobility, and thermodynamic stability) has been performed at Invitae for this missense variant, however the output from this modeling did not meet the statistical confidence thresholds required to predict the impact of this variant on STIM1 protein function. ClinVar contains an entry for this variant (Variation ID: 2238467). This variant has not been reported in the literature in individuals affected with STIM1-related conditions. The frequency data for this variant in the population databases is considered unreliable, as metrics indicate poor data quality at this position in the gnomAD database. This sequence change replaces arginine, which is basic and polar, with glutamine, which is neutral and polar, at codon 311 of the STIM1 protein (p.Arg311Gln).

Ambry Genetics
Classification: Uncertain significance for Inborn genetic diseases. Last evaluated: 2021-07-20. Review status: criteria provided, single submitter. Criteria: Ambry Variant Classification Scheme 2023. Collection method: clinical testing. Allele origin: germline.